The following is an entry in ClinVar:

NM_024685.4(BBS10):c.*1248A>G

Gene: BBS10 (Bardet-Biedl syndrome 10; minus strand). Cytogenetic location: 12q21.2.
Variant type: single nucleotide variant.
Coding change: c.*1248A>G on transcript NM_024685.4 (MANE Select); 1248 bases downstream of the stop codon, A replaced by G.
Molecular consequence: 3 prime UTR variant.
Genome position (GRCh38, 1-based): chr12:76,344,565, T>C on the plus strand (A>G on the coding strand, the complement: BBS10 is on the minus strand). VCF-style: chr12-76344565-T-C. GRCh37 (hg19) VCF-style: chr12-76738345-T-C.
Other names: c.*1248A>G (LRG_1255t1).
Identifiers: ClinVar variation 310468 (VCV000310468.5), dbSNP rs115516881, ClinGen allele CA10638598.
Genomic context (GRCh38, chr12:76,344,565, plus strand): 5'-ATTCAGCAAAAGAGCTAATTTATTCTCTCCATATTCACAGAAACAAAATAATGCATCATA[T>C]AGCATAAATGTTTAAAAAATCAGAATTACATTTAATATAAAAAATTTTGATATTATAGTT-3'

ClinVar aggregate classification (germline): Benign (1 of 4 stars; one submission).

Conditions:
Bardet-Biedl syndrome 10 (BBS10). Identifiers: Orphanet 110, MedGen C1859568, MONDO:0014438, OMIM 615987.

Allele frequency attached by ClinVar (database versions not stated): 1000 Genomes Project 0.01038; 1000 Genomes Project 30x 0.01046; gnomAD 0.01139 and 0.01249; TOPMed 0.01306.

Submission:

Illumina Laboratory Services, Illumina
Classification: Benign for Bardet-Biedl syndrome 10. Last evaluated: 2018-01-12. Review status: criteria provided, single submitter. Criteria: ICSL Variant Classification Criteria 13 December 2019. Collection method: clinical testing. Allele origin: germline.
Comment: This variant was observed in the ICSL laboratory as part of a predisposition screen in an ostensibly healthy population. It had not been previously curated by ICSL or reported in the Human Gene Mutation Database (HGMD: prior to June 1st, 2018), and was therefore a candidate for classification through an automated scoring system. Utilizing variant allele frequency, disease prevalence and penetrance estimates, and inheritance mode, an automated score was calculated to assess if this variant is too frequent to cause the disease. Based on the score and internal cut-off values, a variant classified as benign is not then subjected to further curation. The score for this variant resulted in a classification of benign for this disease.